The following is an entry in ClinVar:

NM_033056.4(PCDH15):c.4982C>A (p.Ser1661Ter)

Gene: PCDH15 (protocadherin related 15; minus strand). Cytogenetic location: 10q21.1.
Variant type: single nucleotide variant.
Coding change: c.4982C>A on transcript NM_033056.4 (MANE Plus Clinical); coding-DNA position 4982, C replaced by A.
Protein change: p.Ser1661Ter; replaces serine 1661 with a stop codon.
Molecular consequence: nonsense. On other transcripts: intron variant (8).
Genome position (GRCh38, 1-based): chr10:53,822,744, G>T on the plus strand (C>A on the coding strand, the complement: PCDH15 is on the minus strand). VCF-style: chr10-53822744-G-T. GRCh37 (hg19) VCF-style: chr10-55582504-G-T.
Other names: c.4775C>A, p.Ser1592Ter (NM_001142765.2); c.4973C>A, p.Ser1658Ter (NM_001142766.2); c.4862C>A, p.Ser1621Ter (NM_001142767.2); c.4922C>A, p.Ser1641Ter (NM_001142768.2); c.4913C>A, p.Ser1638Ter (NM_001142773.2); c.4916C>A, p.Ser1639Ter (NM_001354404.2); c.4367+4649C>A (NM_001354420.2, NM_001354429.2); c.4368-2514C>A (NM_001384140.1); and 6 more; short protein forms S1592*, S1621*, S1638*, S1639*, S1641*, S1658*, S1661*, S1663*.
Identifiers: ClinVar variation 1683385 (VCV001683385.1), dbSNP rs1287970288, ClinGen allele CA376526151.

ClinVar aggregate classification (germline): Uncertain significance (1 of 4 stars; one submission).

Allele frequency attached by ClinVar (database versions not stated): TOPMed 0.00001; gnomAD exomes below 0.00001.
gnomAD v4.1: 1 of 1,614,076 alleles (0.000062%); highest among the groups gnomAD compares: African/African-American, 0.0013%; no homozygotes.

Submission:

Women's Health and Genetics/Laboratory Corporation of America, LabCorp
Classification: Uncertain significance. Last evaluated: 2022-04-01. Review status: criteria provided, single submitter. Criteria: LabCorp Variant Classification Summary - May 2015. Collection method: clinical testing. Allele origin: germline.
Comment: Variant summary: PCDH15 c.4982C>A (p.Ser1661X) located in the last exon results in a premature termination codon, predicted to cause a truncation of the encoded protein or absence of the protein due to nonsense mediated decay, which are commonly known mechanisms for disease. Truncations downstream of this position have not been observed at our laboratory but have been reported with other PCDH15-related disorder phenotypes such as Retinitis Pigmentosa, Hearing loss, Cone dystrophy in the HGMD database. The variant allele was found at a frequency of 4e-06 in 251398 control chromosomes. However, there exists a preponderance of other LOF variation in this exon within the gnomAD database and the region downstream of this variant has been flagged as a low complexity.The available data on variant occurrences in the general population are insufficient to allow any conclusion about variant significance. To our knowledge, no occurrence of c.4982C>A in individuals affected with Usher Syndrome Type 1F and no experimental evidence demonstrating its impact on protein function have been reported. No clinical diagnostic laboratories have submitted clinical-significance assessments for this variant to ClinVar after 2014. Based on the evidence outlined above, the variant was classified as VUS-possibly pathogenic.